The following is an entry in ClinVar:

ClinVar aggregate classification (germline): Benign. Review status: criteria provided, multiple submitters, no conflicts (2 of 4 stars). 3 submissions from 3 submitters: Benign (3). Last evaluated 2024-10-01.

Allele frequency attached by ClinVar (database versions not stated): gnomAD exomes 0.00139 and 0.00330; 1000 Genomes Project 0.01637; ExAC 0.00426; TOPMed 0.01492; 1000 Genomes Project 30x 0.01780.
gnomAD v4.1: 4,160 of 1,611,936 alleles (0.26%); highest among the groups gnomAD compares: African/African-American, 4.7%; 73 homozygotes.

Submissions (3):

Mayo Clinic Laboratories, Mayo Clinic
Classification: Benign. Last evaluated: 2024-10-01. Review status: criteria provided, single submitter. Criteria: ACMG Guidelines, 2015. Collection method: clinical testing. Allele origin: germline. Observed: 2 variant alleles.
Comment: BS1, BS2, BP4

Labcorp Genetics (formerly Invitae), Labcorp
Classification: Benign. Last evaluated: 2019-12-31. Review status: criteria provided, single submitter. Criteria: Invitae Variant Classification Sherloc (09022015). Collection method: clinical testing. Allele origin: germline.

Breakthrough Genomics
Classification: Benign. Review status: criteria provided, single submitter. Criteria: ACMG Guidelines, 2015. Collection method: not provided. Allele origin: germline. Inheritance: Autosomal recessive inheritance. Affected: yes.

NM_005560.6(LAMA5):c.2126C>T (p.Thr709Ile)

Gene: LAMA5 (laminin subunit alpha 5; minus strand). Cytogenetic location: 20q13.33.
Variant type: single nucleotide variant.
Coding change: c.2126C>T on transcript NM_005560.6 (MANE Select); coding-DNA position 2126, C replaced by T.
Protein change: p.Thr709Ile; replaces threonine 709 with isoleucine.
Molecular consequence: missense variant.
Genome position (GRCh38, 1-based): chr20:62,337,628, G>A on the plus strand (C>T on the coding strand, the complement: LAMA5 is on the minus strand). VCF-style: chr20-62337628-G-A. GRCh37 (hg19) VCF-style: chr20-60912684-G-A.
Other names: p.Thr709Ile; short protein forms T709I.
Identifiers: ClinVar variation 783871 (VCV000783871.6), dbSNP rs75621170, ClinGen allele CA9943624.